The following is an entry in ClinVar:

NM_001384732.1(CPLANE1):c.3350C>T (p.Ala1117Val)

Gene: CPLANE1 (ciliogenesis and planar polarity effector complex subunit 1; minus strand). Cytogenetic location: 5p13.2.
Variant type: single nucleotide variant.
Coding change: c.3350C>T on transcript NM_001384732.1 (MANE Select); coding-DNA position 3350, C replaced by T.
Protein change: p.Ala1117Val; replaces alanine 1117 with valine.
Molecular consequence: missense variant.
Genome position (GRCh38, 1-based): chr5:37,201,748, G>A on the plus strand (C>T on the coding strand, the complement: CPLANE1 is on the minus strand). VCF-style: chr5-37201748-G-A. GRCh37 (hg19) VCF-style: chr5-37201850-G-A.
Other names: c.3350C>T, p.Ala1117Val (NM_023073.4); short protein forms A1117V.
Identifiers: ClinVar variation 1950991 (VCV001950991.5), dbSNP rs764120813, ClinGen allele CA3238963.

ClinVar aggregate classification (germline): Uncertain significance (1 of 4 stars; one submission).

Allele frequency attached by ClinVar (database versions not stated): gnomAD exomes 0.00001; ExAC 0.00002.

Submission:

Labcorp Genetics (formerly Invitae), Labcorp
Classification: Uncertain significance. Last evaluated: 2022-07-05. Review status: criteria provided, single submitter. Criteria: Invitae Variant Classification Sherloc (09022015). Collection method: clinical testing. Allele origin: germline.
Comment: Advanced modeling of protein sequence and biophysical properties (such as structural, functional, and spatial information, amino acid conservation, physicochemical variation, residue mobility, and thermodynamic stability) performed at Invitae indicates that this missense variant is expected to disrupt CPLANE1 protein function. This variant has not been reported in the literature in individuals affected with CPLANE1-related conditions. This variant is present in population databases (rs764120813, gnomAD 0.002%). This sequence change replaces alanine, which is neutral and non-polar, with valine, which is neutral and non-polar, at codon 1117 of the CPLANE1 protein (p.Ala1117Val). In summary, the available evidence is currently insufficient to determine the role of this variant in disease. Therefore, it has been classified as a Variant of Uncertain Significance.